The following is an entry in ClinVar:

NM_001378615.1(CC2D2A):c.4098A>C (p.Glu1366Asp)

Genes: CC2D2A (coiled-coil and C2 domain containing 2A; plus strand), FBXL5 (F-box and leucine rich repeat protein 5; minus strand). Cytogenetic location: 4p15.32.
Variant type: single nucleotide variant.
Coding change: c.4098A>C on transcript NM_001378615.1 (MANE Select); coding-DNA position 4098, A replaced by C.
Protein change: p.Glu1366Asp; replaces glutamic acid 1366 with aspartic acid.
Molecular consequence: missense variant.
Genome position (GRCh38, 1-based): chr4:15,587,848, A>C. VCF-style: chr4-15587848-A-C. GRCh37 (hg19) VCF-style: chr4-15589471-A-C.
Other names: c.4098A>C, p.Glu1366Asp (NM_001080522.2); c.3951A>C, p.Glu1317Asp (NM_001378617.1); short protein forms E1366D, E1317D.
Identifiers: ClinVar variation 347902 (VCV000347902.15), dbSNP rs557038070, ClinGen allele CA2864321.

ClinVar aggregate classification (germline): Conflicting classifications of pathogenicity. Review status: criteria provided, conflicting classifications (1 of 4 stars). 5 submissions from 4 submitters: Uncertain significance (2); Likely benign (2). 1 of the submissions does not count toward it. Last evaluated 2026-01-19.

Conditions:
CC2D2A-related disorder. Also called: CC2D2A-related disorders; CC2D2A-related condition. Identifiers: MedGen CN239313.
Meckel-Gruber syndrome. Also called: Dysencephalia splachnocystica; DYSENCEPHALIA SPLANCHNOCYSTICA; GRUBER SYNDROME. Identifiers: Orphanet 564, MedGen C0265215, MONDO:0018921.
Joubert syndrome. Also called: JOUBERT-BOLTSHAUSER SYNDROME; Familial aplasia of the vermis. Identifiers: Orphanet 475, MedGen C5979921, MONDO:0018772.
Meckel syndrome, type 6. Identifiers: Orphanet 564, MedGen C2676790, MONDO:0012848, OMIM 612284.
Joubert syndrome 9 (JBTS9). Identifiers: Orphanet 2318, MedGen C2676788, MONDO:0012849, OMIM 612285.

Allele frequency attached by ClinVar (database versions not stated): gnomAD below 0.00001 and 0.00005; TOPMed 0.00001; gnomAD exomes 0.00009 and 0.00021; ExAC 0.00021.
gnomAD v4.1: 135 of 1,613,392 alleles (0.0084%); highest among the groups gnomAD compares: South Asian, 0.14%; no homozygotes.

Submissions (5):

Labcorp Genetics (formerly Invitae), Labcorp
Classification: Likely benign for Joubert syndrome; Meckel-Gruber syndrome. Last evaluated: 2026-01-19. Review status: criteria provided, single submitter. Criteria: Invitae Variant Classification Sherloc (09022015). Collection method: clinical testing. Allele origin: germline.

Blueprint Genetics
Classification: Likely benign. Last evaluated: 2021-06-18. Review status: criteria provided, single submitter. Criteria: ACMG Guidelines, 2015. Collection method: clinical testing. Allele origin: germline.

Illumina Laboratory Services, Illumina
Classification: Uncertain significance for Joubert syndrome 9. Last evaluated: 2018-01-12. Review status: criteria provided, single submitter. Criteria: ICSL Variant Classification Criteria 13 December 2019. Collection method: clinical testing. Allele origin: germline.

Illumina Laboratory Services, Illumina
Classification: Uncertain significance for Meckel syndrome, type 6. Last evaluated: 2018-01-12. Review status: criteria provided, single submitter. Criteria: ICSL Variant Classification Criteria 13 December 2019. Collection method: clinical testing. Allele origin: germline.

PreventionGenetics, part of Exact Sciences
Classification: Likely benign for CC2D2A-related condition. Last evaluated: 2024-08-19. Review status: no assertion criteria provided. Collection method: clinical testing. Allele origin: germline. Not counted in ClinVar's aggregate classification.
Comment: This variant is classified as likely benign based on ACMG/AMP sequence variant interpretation guidelines (Richards et al. 2015 PMID: 25741868, with internal and published modifications).